The following is an entry in ClinVar:

ClinVar aggregate classification (germline): Uncertain significance (1 of 4 stars; one submission).

Submission:

Labcorp Genetics (formerly Invitae), Labcorp
Classification: Uncertain significance. Last evaluated: 2023-09-09. Review status: criteria provided, single submitter. Criteria: Invitae Variant Classification Sherloc (09022015). Collection method: clinical testing. Allele origin: germline.
Comment: In summary, the available evidence is currently insufficient to determine the role of this variant in disease. Therefore, it has been classified as a Variant of Uncertain Significance. An algorithm developed to predict the effect of missense changes on protein structure and function (PolyPhen-2) suggests that this variant is likely to be disruptive. This variant has not been reported in the literature in individuals affected with MSH3-related conditions. This variant is not present in population databases (gnomAD no frequency). This sequence change replaces valine, which is neutral and non-polar, with glycine, which is neutral and non-polar, at codon 722 of the MSH3 protein (p.Val722Gly).

NM_002439.5(MSH3):c.2165T>G (p.Val722Gly)

Gene: MSH3 (mutS homolog 3; plus strand). Cytogenetic location: 5q14.1.
Variant type: single nucleotide variant.
Coding change: c.2165T>G on transcript NM_002439.5 (MANE Select); coding-DNA position 2165, T replaced by G.
Protein change: p.Val722Gly; replaces valine 722 with glycine.
Molecular consequence: missense variant.
Genome position (GRCh38, 1-based): chr5:80,768,915, T>G. VCF-style: chr5-80768915-T-G. GRCh37 (hg19) VCF-style: chr5-80064734-T-G.
Other names: short protein forms V722G.
Identifiers: ClinVar variation 2879993 (VCV002879993.3), dbSNP rs2546774258, ClinGen allele CA360279474.
Genomic context (GRCh38, chr5:80,768,915, plus strand): 5'-TATTTAAAGACCTTTCTGACTTCCCTTTAATAAAAAAGAGGAAGGATGAAATTCAAGGTG[T>G]TATTGACGAGATCCGAATGCATTTGCAAGAAATACGAAAAATACTAAAAAATCCTTCTGC-3'
Protein context (NP_002430.3, residues 712-732): IKKRKDEIQG[Val722Gly]IDEIRMHLQE